The following is an entry in ClinVar:

ClinVar aggregate classification (germline): Uncertain significance. Review status: criteria provided, single submitter (1 of 4 stars). 2 submissions from 2 submitters: Uncertain significance (1). 1 of the submissions does not count toward it. Last evaluated 2021-09-01.

Conditions:
Charcot-Marie-Tooth disease type 4. Also called: Charcot-Marie-Tooth disease, type IV; Charcot-Marie-Tooth, Type 4. Identifiers: Orphanet 64749, MedGen C4082197, MONDO:0018995.
Charcot-Marie-Tooth disease type 4D. Also called: Charcot-Marie-Tooth Neuropathy Type 4D; NEUROPATHY, HEREDITARY MOTOR AND SENSORY, LOM TYPE; CHARCOT-MARIE-TOOTH DISEASE, DEMYELINATING, TYPE 4D; CHARCOT-MARIE-TOOTH DISEASE, DEMYELINATING, AUTOSOMAL RECESSIVE, TYPE 4D. Identifiers: Orphanet 99950, MedGen C1832334, MONDO:0011085, OMIM 601455.

Allele frequency attached by ClinVar (database versions not stated): gnomAD exomes below 0.00001; gnomAD 0.00001.
gnomAD v4.1: 5 of 1,614,076 alleles (0.00031%); highest among the groups gnomAD compares: South Asian, 0.0022%; no homozygotes.

Submissions (2):

Labcorp Genetics (formerly Invitae), Labcorp
Classification: Uncertain significance for Charcot-Marie-Tooth disease type 4. Last evaluated: 2021-09-01. Review status: criteria provided, single submitter. Criteria: Invitae Variant Classification Sherloc (09022015). Collection method: clinical testing. Allele origin: germline.
Comment: This sequence change replaces lysine with arginine at codon 300 of the NDRG1 protein (p.Lys300Arg). The lysine residue is highly conserved and there is a small physicochemical difference between lysine and arginine. This variant is not present in population databases (ExAC no frequency). This variant has not been reported in the literature in individuals affected with NDRG1-related conditions. Algorithms developed to predict the effect of missense changes on protein structure and function (SIFT, PolyPhen-2, Align-GVGD) all suggest that this variant is likely to be disruptive. In summary, the available evidence is currently insufficient to determine the role of this variant in disease. Therefore, it has been classified as a Variant of Uncertain Significance.

Natera, Inc.
Classification: Uncertain significance for Charcot-Marie-Tooth disease type 4D. Last evaluated: 2021-01-25. Review status: no assertion criteria provided. Collection method: clinical testing. Allele origin: germline. Not counted in ClinVar's aggregate classification.

NM_006096.4(NDRG1):c.899A>G (p.Lys300Arg)

Gene: NDRG1 (N-myc downstream regulated 1; minus strand). Cytogenetic location: 8q24.22.
Variant type: single nucleotide variant.
Coding change: c.899A>G on transcript NM_006096.4 (MANE Select); coding-DNA position 899, A replaced by G.
Protein change: p.Lys300Arg; replaces lysine 300 with arginine.
Molecular consequence: missense variant.
Genome position (GRCh38, 1-based): chr8:133,242,067, T>C on the plus strand (A>G on the coding strand, the complement: NDRG1 is on the minus strand). VCF-style: chr8-133242067-T-C. GRCh37 (hg19) VCF-style: chr8-134254310-T-C.
Other names: c.899A>G, p.Lys300Arg (NM_001135242.2, NM_001374846.1, NM_001374845.1); c.701A>G, p.Lys234Arg (NM_001258432.2, NM_001374847.1); c.656A>G, p.Lys219Arg (NM_001258433.2); c.950A>G, p.Lys317Arg (NM_001374844.1); short protein forms K219R, K317R, K300R, K234R.
Identifiers: ClinVar variation 959612 (VCV000959612.7), dbSNP rs1337997229, ClinGen allele CA372254787.